The following is an entry in ClinVar:

ClinVar aggregate classification (germline): Pathogenic/Likely pathogenic. Review status: criteria provided, multiple submitters, no conflicts (2 of 4 stars). 2 submissions from 2 submitters: Pathogenic (1); Likely pathogenic (1). Last evaluated 2024-07-11.

Conditions:
GNPTG-mucolipidosis. Also called: Mucolipidosis type III gamma; MUCOLIPIDOSIS III, COMPLEMENTATION GROUP C; MUCOLIPIDOSIS III, IRANIAN VARIANT FORM; MUCOLIPIDOSIS III, VARIANT FORM; ML III GAMMA; ML IIIC. Identifiers: Orphanet 423470, Orphanet 577, MedGen C1854896, MONDO:0009652, OMIM 252605.

Submissions (2):

Natera, Inc.
Classification: Likely pathogenic for Mucolipidosis III gamma. Last evaluated: 2024-07-11. Review status: criteria provided, single submitter. Criteria: Natera Variant Classification Schema (03/2026). Collection method: clinical testing. Allele origin: germline.
Comment: The c.701del variant in GNPTG is a frameshift variant predicted to shift the reading frame beginning at codon 234 and leads to a stop codon 26 codons downstream. This variant is expected to result in nonsense mediated decay, truncation, or a dysfunctional protein product. This variant is rare in the general population with a frequency below the threshold expected for the associated phenotype(s). Given the available evidence, this variant is classified as Likely Pathogenic.

Labcorp Genetics (formerly Invitae), Labcorp
Classification: Pathogenic. Last evaluated: 2023-06-02. Review status: criteria provided, single submitter. Criteria: Invitae Variant Classification Sherloc (09022015). Collection method: clinical testing. Allele origin: germline.
Comment: For these reasons, this variant has been classified as Pathogenic. Algorithms developed to predict the effect of sequence changes on RNA splicing suggest that this variant may create or strengthen a splice site. ClinVar contains an entry for this variant (Variation ID: 2119911). This variant has not been reported in the literature in individuals affected with GNPTG-related conditions. This variant is not present in population databases (gnomAD no frequency). This sequence change creates a premature translational stop signal (p.Pro234Leufs*26) in the GNPTG gene. It is expected to result in an absent or disrupted protein product. Loss-of-function variants in GNPTG are known to be pathogenic (PMID: 19370764, 20301784).

Literature cited by the submitters: PubMed 19370764 (cited by Labcorp Genetics (formerly Invitae), Labcorp); PubMed 20301784 (cited by Labcorp Genetics (formerly Invitae), Labcorp).

NM_032520.5(GNPTG):c.701del (p.Pro234fs)

Gene: GNPTG (N-acetylglucosamine-1-phosphate transferase subunit gamma; plus strand). Cytogenetic location: 16p13.3.
Variant type: Deletion.
Coding change: c.701del on transcript NM_032520.5 (MANE Select); coding-DNA position 701, one base deleted (C; older notation c.701delC).
Protein change: p.Pro234fs; shifts the reading frame from proline 234.
Molecular consequence: frameshift variant.
Genome position (GRCh38, 1-based): chr16:1,362,702, C deleted; the last of 2 consecutive C bases (chr16:1,362,701-1,362,702); deleting either gives the same sequence. VCF-style (leftmost placement, unchanged base first): chr16-1362700-TC-T. GRCh37 (hg19) VCF-style: chr16-1412701-TC-T.
Other names: c.701del (NM_032520.4); short protein forms P234fs.
Identifiers: ClinVar variation 2119911 (VCV002119911.5), dbSNP rs1297654273, ClinGen allele CA718229498.